The following is an entry in ClinVar:

NM_021098.3(CACNA1H):c.4316C>G (p.Ala1439Gly)

Gene: CACNA1H (calcium voltage-gated channel subunit alpha1 H; plus strand). Cytogenetic location: 16p13.3.
Variant type: single nucleotide variant.
Coding change: c.4316C>G on transcript NM_021098.3 (MANE Select); coding-DNA position 4316, C replaced by G.
Protein change: p.Ala1439Gly; replaces alanine 1439 with glycine.
Molecular consequence: missense variant.
Genome position (GRCh38, 1-based): chr16:1,211,260, C>G. VCF-style: chr16-1211260-C-G. GRCh37 (hg19) VCF-style: chr16-1261260-C-G.
Other names: c.4316C>G, p.Ala1439Gly (NM_001005407.2); short protein forms A1439G.
Identifiers: ClinVar variation 2155434 (VCV002155434.4), dbSNP rs1379672193, ClinGen allele CA394178469.

ClinVar aggregate classification (germline): Uncertain significance (1 of 4 stars; one submission).

Conditions:
Hyperaldosteronism, familial, type IV (HALD4). Also called: FH IV; ALDOSTERONISM, PRIMARY, AND HYPERTENSION. Identifiers: Orphanet 642671, MedGen C4310756, MONDO:0014875, OMIM 617027.
Idiopathic generalized epilepsy. Also called: EIG; Generalised epilepsy. Identifiers: MedGen C0270850, MONDO:0005579, OMIM 600669.

Allele frequency attached by ClinVar (database versions not stated): TOPMed 0.00002.
gnomAD v4.1: 8 of 1,613,036 alleles (0.0005%); highest among the groups gnomAD compares: Non-Finnish European, 0.00059%; no homozygotes.

Submission:

Labcorp Genetics (formerly Invitae), Labcorp
Classification: Uncertain significance for Idiopathic generalized epilepsy; Hyperaldosteronism, familial, type IV. Last evaluated: 2023-03-03. Review status: criteria provided, single submitter. Criteria: Invitae Variant Classification Sherloc (09022015). Collection method: clinical testing. Allele origin: germline.
Comment: In summary, the available evidence is currently insufficient to determine the role of this variant in disease. Therefore, it has been classified as a Variant of Uncertain Significance. Advanced modeling of protein sequence and biophysical properties (such as structural, functional, and spatial information, amino acid conservation, physicochemical variation, residue mobility, and thermodynamic stability) has been performed at Invitae for this missense variant, however the output from this modeling did not meet the statistical confidence thresholds required to predict the impact of this variant on CACNA1H protein function. ClinVar contains an entry for this variant (Variation ID: 2155434). This variant has not been reported in the literature in individuals affected with CACNA1H-related conditions. This variant is not present in population databases (gnomAD no frequency). This sequence change replaces alanine, which is neutral and non-polar, with glycine, which is neutral and non-polar, at codon 1439 of the CACNA1H protein (p.Ala1439Gly).